The following is an entry in ClinVar:

ClinVar aggregate classification (germline): Likely benign (0 of 4 stars; one submission).

Conditions:
SHANK3-related disorder. Also called: SHANK3-related condition.

Submission:

PreventionGenetics, part of Exact Sciences
Classification: Likely benign for SHANK3-related condition. Last evaluated: 2020-01-03. Review status: no assertion criteria provided. Collection method: clinical testing. Allele origin: germline.
Comment: This variant is classified as likely benign based on ACMG/AMP sequence variant interpretation guidelines (Richards et al. 2015 PMID: 25741868, with internal and published modifications).

NM_001372044.2(SHANK3):c.1056G>T (p.Gly352=)

Gene: SHANK3 (SH3 and multiple ankyrin repeat domains 3; plus strand). Cytogenetic location: 22q13.33.
Variant type: single nucleotide variant.
Coding change: c.1056G>T on transcript NM_001372044.2 (MANE Select); coding-DNA position 1056, G replaced by T.
Protein change: p.Gly352=; no amino-acid change (glycine 352 retained).
Molecular consequence: synonymous variant.
Genome position (GRCh38, 1-based): chr22:50,679,374, G>T. VCF-style: chr22-50679374-G-T. GRCh37 (hg19) VCF-style: chr22-51117802-G-T.
Other names: c.831G>T, p.Gly277= (NM_033517.1).
Identifiers: ClinVar variation 3034280 (VCV003034280.2), dbSNP rs199640422, ClinGen allele CA325560749.